The following is an entry in ClinVar:

ClinVar aggregate classification (germline): Likely benign. Review status: criteria provided, multiple submitters, no conflicts (2 of 4 stars). 3 submissions from 3 submitters: Likely benign (3). Last evaluated 2025-12-23.

Conditions:
Muscular dystrophy-dystroglycanopathy type B6 (MDDGB6). Also called: MUSCULAR DYSTROPHY, CONGENITAL, LARGE-RELATED; MUSCULAR DYSTROPHY, CONGENITAL, TYPE 1D; MUSCULAR DYSTROPHY-DYSTROGLYCANOPATHY (CONGENITAL WITH IMPAIRED INTELLECTUAL DEVELOPMENT), TYPE B, 6. Identifiers: MedGen C1837229, MONDO:0012138, OMIM 608840.

Allele frequency attached by ClinVar (database versions not stated): ESP Exome Variant Server 0.00008; gnomAD exomes 0.00010; 1000 Genomes Project 30x 0.00016; 1000 Genomes Project 0.00020; gnomAD 0.00003; TOPMed 0.00003; ExAC 0.00008.
gnomAD v4.1: 64 of 1,613,688 alleles (0.004%); highest among the groups gnomAD compares: Middle Eastern, 0.017%; no homozygotes.

Submissions (3):

Labcorp Genetics (formerly Invitae), Labcorp
Classification: Likely benign for Muscular dystrophy-dystroglycanopathy type B6. Last evaluated: 2025-12-23. Review status: criteria provided, single submitter. Criteria: Invitae Variant Classification Sherloc (09022015). Collection method: clinical testing. Allele origin: germline.

Blueprint Genetics
Classification: Likely benign. Last evaluated: 2024-08-06. Review status: criteria provided, single submitter. Criteria: ACMG Guidelines, 2015. Collection method: clinical testing. Allele origin: germline.

CeGaT Center for Human Genetics Tuebingen
Classification: Likely benign. Last evaluated: 2022-07-01. Review status: criteria provided, single submitter. Criteria: CeGaT Center For Human Genetics Tuebingen Variant Classification Criteria Version 2. Collection method: clinical testing. Allele origin: germline. Affected: yes. Observed: 1 variant allele.
Comment: LARGE1: BP4, BP7

NM_133642.5(LARGE1):c.417C>T (p.His139=)

Gene: LARGE1 (LARGE xylosyl- and glucuronyltransferase 1; minus strand). Cytogenetic location: 22q12.3.
Variant type: single nucleotide variant.
Coding change: c.417C>T on transcript NM_133642.5 (MANE Select); coding-DNA position 417, C replaced by T.
Protein change: p.His139=; no amino-acid change (histidine 139 retained).
Molecular consequence: synonymous variant.
Genome position (GRCh38, 1-based): chr22:33,626,318, G>A on the plus strand (C>T on the coding strand, the complement: LARGE1 is on the minus strand). VCF-style: chr22-33626318-G-A. GRCh37 (hg19) VCF-style: chr22-34022302-G-A.
Other names: c.417C>T, p.His139= (NM_001362949.2, NM_001362951.2, NM_001362953.2 and 7 more transcripts).
Identifiers: ClinVar variation 1161040 (VCV001161040.34), dbSNP rs115575249, ClinGen allele CA10203051.